The following is an entry in ClinVar:

NM_000071.3(CBS):c.316+2_316+3del

Gene: CBS (cystathionine beta-synthase; minus strand). Cytogenetic location: 21q22.3.
Variant type: Microsatellite.
Coding change: c.316+2_316+3del on transcript NM_000071.3 (MANE Select); the canonical splice donor site of the intron after coding-DNA position 316 through 3 bases into the intron after coding-DNA position 316, 2 bases deleted (TG; older notation c.316+2_316+3delTG).
Molecular consequence: splice donor variant.
Genome position (GRCh38, 1-based): chr21:43,068,506-43,068,507, CA deleted on the plus strand (TG on the coding strand, the reverse complement: CBS is on the minus strand); deleting any 2 consecutive bases within chr21:43,068,506-43,068,509 gives the same sequence; the c. name uses the placement nearest the transcript's 3' end. VCF-style (leftmost placement, unchanged base first): chr21-43068505-TCA-T. GRCh37 (hg19) VCF-style: chr21-44488615-TCA-T.
Other names: c.316+2_316+3del (NM_001320298.2, NM_001178009.3, NM_001178008.3).
Identifiers: ClinVar variation 2844087 (VCV002844087.3), dbSNP rs2517469335, ClinGen allele CA2739267677.

ClinVar aggregate classification (germline): Likely pathogenic (1 of 4 stars; one submission).

Conditions:
HYPERHOMOCYSTEINEMIA, THROMBOTIC, CBS-RELATED. Identifiers: MedGen C3150344, OMIM 236200.

Submission:

Labcorp Genetics (formerly Invitae), Labcorp
Classification: Likely pathogenic for HYPERHOMOCYSTEINEMIA, THROMBOTIC, CBS-RELATED. Last evaluated: 2024-01-05. Review status: criteria provided, single submitter. Criteria: Invitae Variant Classification Sherloc (09022015). Collection method: clinical testing. Allele origin: germline.
Comment: This sequence change affects a splice site in intron 4 of the CBS gene. It is expected to disrupt RNA splicing. Variants that disrupt the donor or acceptor splice site typically lead to a loss of protein function (PMID: 16199547), and loss-of-function variants in CBS are known to be pathogenic (PMID: 10338090, 12124992). This variant is not present in population databases (gnomAD no frequency). This variant has not been reported in the literature in individuals affected with CBS-related conditions. Algorithms developed to predict the effect of sequence changes on RNA splicing suggest that this variant may disrupt the consensus splice site. In summary, the currently available evidence indicates that the variant is pathogenic, but additional data are needed to prove that conclusively. Therefore, this variant has been classified as Likely Pathogenic.

Literature cited by the submitters: PubMed 16199547; PubMed 10338090; PubMed 12124992.